The following is an entry in ClinVar:

NM_012414.4(RAB3GAP2):c.3301G>A (p.Gly1101Ser)

Gene: RAB3GAP2 (RAB3 GTPase activating non-catalytic protein subunit 2; minus strand). Cytogenetic location: 1q41.
Variant type: single nucleotide variant.
Coding change: c.3301G>A on transcript NM_012414.4 (MANE Select); coding-DNA position 3301, G replaced by A.
Protein change: p.Gly1101Ser; replaces glycine 1101 with serine.
Molecular consequence: missense variant.
Genome position (GRCh38, 1-based): chr1:220,157,837, C>T on the plus strand (G>A on the coding strand, the complement: RAB3GAP2 is on the minus strand). VCF-style: chr1-220157837-C-T. GRCh37 (hg19) VCF-style: chr1-220331179-C-T.
Other names: short protein forms G1101S.
Identifiers: ClinVar variation 1921767 (VCV001921767.4), dbSNP rs762616453, ClinGen allele CA1402165.

ClinVar aggregate classification (germline): Uncertain significance. Review status: criteria provided, multiple submitters, no conflicts (2 of 4 stars). 2 submissions from 2 submitters: Uncertain significance (2). Last evaluated 2024-12-23.

Conditions:
Warburg micro syndrome 2 (WARBM2). Also called: MICRO SYNDROME 2. Identifiers: Orphanet 2510, MedGen C3280214, MONDO:0013641, OMIM 614225.
Martsolf syndrome (MARTS). Also called: Congenital cataract with intellectual disability and hypogonadotropic hypogonadism syndrome. Identifiers: Orphanet 1387, MedGen C0796037, MONDO:0023910.
Inborn genetic diseases. Identifiers: MedGen C0950123, MeSH D030342.

Allele frequency attached by ClinVar (database versions not stated): gnomAD 0.00002; TOPMed 0.00002; ExAC 0.00003; gnomAD exomes 0.00004.
gnomAD v4.1: 57 of 1,613,576 alleles (0.0035%); highest among the groups gnomAD compares: Non-Finnish European, 0.0047%; no homozygotes.

Submissions (2):

Ambry Genetics
Classification: Uncertain significance for Inborn genetic diseases. Last evaluated: 2024-12-23. Review status: criteria provided, single submitter. Criteria: Ambry Variant Classification Scheme 2023. Collection method: clinical testing. Allele origin: germline.

Labcorp Genetics (formerly Invitae), Labcorp
Classification: Uncertain significance for Martsolf syndrome; Warburg micro syndrome 2. Last evaluated: 2022-02-18. Review status: criteria provided, single submitter. Criteria: Invitae Variant Classification Sherloc (09022015). Collection method: clinical testing. Allele origin: germline.
Comment: This sequence change replaces glycine, which is neutral and non-polar, with serine, which is neutral and polar, at codon 1101 of the RAB3GAP2 protein (p.Gly1101Ser). This variant is present in population databases (rs762616453, gnomAD 0.004%). This variant has not been reported in the literature in individuals affected with RAB3GAP2-related conditions. Algorithms developed to predict the effect of missense changes on protein structure and function (SIFT, PolyPhen-2, Align-GVGD) all suggest that this variant is likely to be tolerated. In summary, the available evidence is currently insufficient to determine the role of this variant in disease. Therefore, it has been classified as a Variant of Uncertain Significance.